The following is an entry in ClinVar:

NM_182914.3(SYNE2):c.18991C>T (p.Arg6331Cys)

Gene: SYNE2 (spectrin repeat containing nuclear envelope protein 2; plus strand). Cytogenetic location: 14q23.2.
Variant type: single nucleotide variant.
Coding change: c.18991C>T on transcript NM_182914.3 (MANE Select); coding-DNA position 18991, C replaced by T.
Protein change: p.Arg6331Cys; replaces arginine 6331 with cysteine.
Molecular consequence: missense variant.
Genome position (GRCh38, 1-based): chr14:64,212,940, C>T. VCF-style: chr14-64212940-C-T. GRCh37 (hg19) VCF-style: chr14-64679658-C-T.
Other names: c.18991C>T, p.Arg6331Cys (NM_015180.6); short protein forms R6331C.
Identifiers: ClinVar variation 2086736 (VCV002086736.8), dbSNP rs779514571, ClinGen allele CA7224275.

ClinVar aggregate classification (germline): Uncertain significance. Review status: criteria provided, multiple submitters, no conflicts (2 of 4 stars). 3 submissions from 3 submitters: Uncertain significance (3). Last evaluated 2024-12-05.

Conditions:
Emery-Dreifuss muscular dystrophy 5, autosomal dominant (EDMD5). Also called: EMERY-DREIFUSS MUSCULAR DYSTROPHY 5. Identifiers: Orphanet 261, MedGen C2751805, MONDO:0013072, OMIM 612999.

Allele frequency attached by ClinVar (database versions not stated): gnomAD 0.00002; TOPMed 0.00002; ExAC 0.00005; gnomAD exomes 0.00010.
gnomAD v4.1: 149 of 1,614,092 alleles (0.0092%); highest among the groups gnomAD compares: Non-Finnish European, 0.012%; no homozygotes.

Submissions (3):

Labcorp Genetics (formerly Invitae), Labcorp
Classification: Uncertain significance for Emery-Dreifuss muscular dystrophy 5, autosomal dominant. Last evaluated: 2024-12-05. Review status: criteria provided, single submitter. Criteria: Invitae Variant Classification Sherloc (09022015). Collection method: clinical testing. Allele origin: germline.
Comment: This sequence change replaces arginine, which is basic and polar, with cysteine, which is neutral and slightly polar, at codon 6331 of the SYNE2 protein (p.Arg6331Cys). This variant is present in population databases (rs779514571, gnomAD 0.01%). This variant has not been reported in the literature in individuals affected with SYNE2-related conditions. ClinVar contains an entry for this variant (Variation ID: 2086736). An algorithm developed to predict the effect of missense changes on protein structure and function (PolyPhen-2) suggests that this variant is likely to be disruptive. In summary, the available evidence is currently insufficient to determine the role of this variant in disease. Therefore, it has been classified as a Variant of Uncertain Significance.

Ambry Genetics
Classification: Uncertain significance. Last evaluated: 2021-10-06. Review status: criteria provided, single submitter. Criteria: Ambry Variant Classification Scheme 2023. Collection method: clinical testing. Allele origin: germline.

Revvity Omics, Revvity
Classification: Uncertain significance for Emery-Dreifuss muscular dystrophy 5, autosomal dominant. Last evaluated: 2019-07-12. Review status: criteria provided, single submitter. Criteria: ACMG Guidelines, 2015. Collection method: clinical testing. Allele origin: germline.